The following is an entry in ClinVar:

ClinVar aggregate classification (germline): Likely benign. Review status: criteria provided, multiple submitters, no conflicts (2 of 4 stars). 4 submissions from 4 submitters: Likely benign (4). Last evaluated 2024-10-28.

Conditions:
Inborn genetic diseases. Identifiers: MedGen C0950123, MeSH D030342.

Allele frequency attached by ClinVar (database versions not stated): ESP Exome Variant Server 0.00025; 1000 Genomes Project 30x 0.00031; gnomAD 0.00007 and 0.00008; gnomAD exomes 0.00007 and 0.00019; ExAC 0.00008; TOPMed 0.00009; 1000 Genomes Project 0.00020.
gnomAD v4.1: 287 of 1,613,914 alleles (0.018%); highest among the groups gnomAD compares: Non-Finnish European, 0.023%; no homozygotes.

Submissions (4):

Ambry Genetics
Classification: Likely benign for Inborn genetic diseases. Last evaluated: 2024-10-28. Review status: criteria provided, single submitter. Criteria: Ambry Variant Classification Scheme 2023. Collection method: clinical testing. Allele origin: germline.

CeGaT Center for Human Genetics Tuebingen
Classification: Likely benign. Last evaluated: 2024-01-01. Review status: criteria provided, single submitter. Criteria: CeGaT Center For Human Genetics Tuebingen Variant Classification Criteria Version 2. Collection method: clinical testing. Allele origin: germline. Affected: yes. Observed: 1 variant allele.
Comment: ASXL3: BP4

GeneDx
Classification: Likely benign. Last evaluated: 2019-11-15. Review status: criteria provided, single submitter. Criteria: GeneDx Variant Classification Process June 2021. Collection method: clinical testing. Allele origin: germline. Affected: yes.

Center for Pediatric Genomic Medicine, Children's Mercy Hospital and Clinics
Classification: Likely benign. Last evaluated: 2016-11-02. Review status: criteria provided, single submitter. Criteria: ACMG Guidelines, 2015. Collection method: clinical testing. Allele origin: germline.
ClinVar note: Converted during submission from Likely Benign to Likely benign.

NM_030632.3(ASXL3):c.3350G>A (p.Arg1117Gln)

Gene: ASXL3 (ASXL transcriptional regulator 3; plus strand). Cytogenetic location: 18q12.1.
Variant type: single nucleotide variant.
Coding change: c.3350G>A on transcript NM_030632.3 (MANE Select); coding-DNA position 3350, G replaced by A.
Protein change: p.Arg1117Gln; replaces arginine 1117 with glutamine.
Molecular consequence: missense variant.
Genome position (GRCh38, 1-based): chr18:33,743,198, G>A. VCF-style: chr18-33743198-G-A. GRCh37 (hg19) VCF-style: chr18-31323162-G-A.
Other names: short protein forms R1117Q.
Identifiers: ClinVar variation 377254 (VCV000377254.28), dbSNP rs200723688, ClinGen allele CA8934068.